The following is an entry in ClinVar:

ClinVar aggregate classification (germline): Uncertain significance (1 of 4 stars; one submission).

Submission:

Labcorp Genetics (formerly Invitae), Labcorp
Classification: Uncertain significance. Last evaluated: 2023-09-08. Review status: criteria provided, single submitter. Criteria: Invitae Variant Classification Sherloc (09022015). Collection method: clinical testing. Allele origin: germline.
Comment: In summary, the available evidence is currently insufficient to determine the role of this variant in disease. Therefore, it has been classified as a Variant of Uncertain Significance. An algorithm developed to predict the effect of missense changes on protein structure and function (PolyPhen-2) suggests that this variant is likely to be tolerated. This variant has not been reported in the literature in individuals affected with LRRC8A-related conditions. This variant is not present in population databases (gnomAD no frequency). This sequence change replaces glutamic acid, which is acidic and polar, with aspartic acid, which is acidic and polar, at codon 597 of the LRRC8A protein (p.Glu597Asp).

NM_019594.4(LRRC8A):c.1791G>T (p.Glu597Asp)

Gene: LRRC8A (leucine rich repeat containing 8 VRAC subunit A; plus strand). Cytogenetic location: 9q34.11.
Variant type: single nucleotide variant.
Coding change: c.1791G>T on transcript NM_019594.4 (MANE Select); coding-DNA position 1791, G replaced by T.
Protein change: p.Glu597Asp; replaces glutamic acid 597 with aspartic acid.
Molecular consequence: missense variant.
Genome position (GRCh38, 1-based): chr9:128,908,955, G>T. VCF-style: chr9-128908955-G-T. GRCh37 (hg19) VCF-style: chr9-131671234-G-T.
Other names: c.1791G>T, p.Glu597Asp (NM_001127245.2, NM_001127244.2); short protein forms E597D.
Identifiers: ClinVar variation 2758861 (VCV002758861.3), dbSNP rs2491881796, ClinGen allele CA375084461.